The following is an entry in ClinVar:

ClinVar aggregate classification (germline): Likely benign. Review status: criteria provided, multiple submitters, no conflicts (2 of 4 stars). 3 submissions from 3 submitters: Likely benign (2). 1 of the submissions does not count toward it. Last evaluated 2023-08-04.

Conditions:
ADGRV1-related disorder. Also called: ADGRV1-related condition; ADGRV1-related disorders.
Inborn genetic diseases. Identifiers: MedGen C0950123, MeSH D030342.

Allele frequency attached by ClinVar (database versions not stated): ExAC 0.00001; gnomAD 0.00001; gnomAD exomes 0.00001.
gnomAD v4.1: 9 of 1,612,318 alleles (0.00056%); highest among the groups gnomAD compares: African/African-American, 0.0013%; no homozygotes.

Submissions (3):

Labcorp Genetics (formerly Invitae), Labcorp
Classification: Likely benign. Last evaluated: 2023-08-04. Review status: criteria provided, single submitter. Criteria: Invitae Variant Classification Sherloc (09022015). Collection method: clinical testing. Allele origin: germline.

Ambry Genetics
Classification: Likely benign for Inborn genetic diseases. Last evaluated: 2023-07-14. Review status: criteria provided, single submitter. Criteria: Ambry Variant Classification Scheme 2023. Collection method: clinical testing. Allele origin: germline.

PreventionGenetics, part of Exact Sciences
Classification: Uncertain significance for ADGRV1-related condition. Last evaluated: 2024-08-15. Review status: no assertion criteria provided. Collection method: clinical testing. Allele origin: germline. Not counted in ClinVar's aggregate classification.
Comment: The ADGRV1 c.13549A>G variant is predicted to result in the amino acid substitution p.Ile4517Val. To our knowledge, this variant has not been reported in the literature. This variant is reported in 0.0027% of alleles in individuals of European (Non-Finnish) descent in gnomAD. At this time, the clinical significance of this variant is uncertain due to the absence of conclusive functional and genetic evidence.

NM_032119.4(ADGRV1):c.13549A>G (p.Ile4517Val)

Gene: ADGRV1 (adhesion G protein-coupled receptor V1; plus strand). Cytogenetic location: 5q14.3.
Variant type: single nucleotide variant.
Coding change: c.13549A>G on transcript NM_032119.4 (MANE Select); coding-DNA position 13549, A replaced by G.
Protein change: p.Ile4517Val; replaces isoleucine 4517 with valine.
Molecular consequence: missense variant. On other transcripts: non-coding transcript variant (1).
Genome position (GRCh38, 1-based): chr5:90,783,953, A>G. VCF-style: chr5-90783953-A-G. GRCh37 (hg19) VCF-style: chr5-90079770-A-G.
Other names: c.13549A>G (NM_032119.3); short protein forms I4517V.
Identifiers: ClinVar variation 1954019 (VCV001954019.8), dbSNP rs778908807, ClinGen allele CA3341550.